The following is an entry in ClinVar:

ClinVar aggregate classification (germline): Benign. Review status: criteria provided, multiple submitters, no conflicts (2 of 4 stars). 3 submissions from 3 submitters: Benign (2). 1 of the submissions does not count toward it. Last evaluated 2021-05-05.

Conditions:
ZNF142-related disorder. Also called: ZNF142-related condition.

Allele frequency attached by ClinVar (database versions not stated): gnomAD 0.09244 and 0.09515; TOPMed 0.09932; gnomAD exomes 0.05212 and 0.04090; ESP Exome Variant Server 0.09174; 1000 Genomes Project 0.11242; ExAC 0.05815; 1000 Genomes Project 30x 0.11384.
gnomAD v4.1: 73,830 of 1,600,634 alleles (4.6%); highest among the groups gnomAD compares: African/African-American, 23%; 3,325 homozygotes.

Submissions (3):

GeneDx
Classification: Benign. Last evaluated: 2021-05-05. Review status: criteria provided, single submitter. Criteria: GeneDx Variant Classification Process June 2021. Collection method: clinical testing. Allele origin: germline. Affected: yes.

Breakthrough Genomics
Classification: Benign. Review status: criteria provided, single submitter. Criteria: ACMG Guidelines, 2015. Collection method: not provided. Allele origin: germline. Inheritance: Autosomal recessive inheritance. Affected: yes.

PreventionGenetics, part of Exact Sciences
Classification: Benign for ZNF142-related condition. Last evaluated: 2024-03-14. Review status: no assertion criteria provided. Collection method: clinical testing. Allele origin: germline. Not counted in ClinVar's aggregate classification.
Comment: This variant is classified as benign based on ACMG/AMP sequence variant interpretation guidelines (Richards et al. 2015 PMID: 25741868, with internal and published modifications).

NM_001379659.1(ZNF142):c.258A>G (p.Pro86=)

Gene: ZNF142 (zinc finger protein 142; minus strand). Cytogenetic location: 2q35.
Variant type: single nucleotide variant.
Coding change: c.258A>G on transcript NM_001379659.1 (MANE Select); coding-DNA position 258, A replaced by G.
Protein change: p.Pro86=; no amino-acid change (proline 86 retained).
Molecular consequence: synonymous variant.
Genome position (GRCh38, 1-based): chr2:218,656,172, T>C on the plus strand (A>G on the coding strand, the complement: ZNF142 is on the minus strand). VCF-style: chr2-218656172-T-C. GRCh37 (hg19) VCF-style: chr2-219520895-T-C.
Other names: c.258A>G, p.Pro86= (NM_001105537.5, NM_001366290.3, NM_001366291.3 and 7 more transcripts); c.-354A>G (NM_001366287.3, NM_001366288.3, NM_001366289.3).
Identifiers: ClinVar variation 1288603 (VCV001288603.4), dbSNP rs3731872, ClinGen allele CA2109518.